The following is an entry in ClinVar:

ClinVar aggregate classification (germline): Uncertain significance (1 of 4 stars; one submission).

Conditions:
Charcot-Marie-Tooth disease, type I (CMT1). Also called: Charcot-Marie-Tooth disease type 1; Charcot-Marie-Tooth, Type 1. Identifiers: Orphanet 65753, MedGen C0751036, MONDO:0019011.

Submission:

Labcorp Genetics (formerly Invitae), Labcorp
Classification: Uncertain significance for Charcot-Marie-Tooth disease, type I. Last evaluated: 2018-06-23. Review status: criteria provided, single submitter. Criteria: Invitae Variant Classification Sherloc (09022015). Collection method: clinical testing. Allele origin: germline.
Comment: This sequence change replaces threonine with asparagine at codon 391 of the EGR2 protein (p.Thr391Asn). The threonine residue is highly conserved and there is a small physicochemical difference between threonine and asparagine. In summary, the available evidence is currently insufficient to determine the role of this variant in disease. Therefore, it has been classified as a Variant of Uncertain Significance. Algorithms developed to predict the effect of missense changes on protein structure and function are either unavailable or do not agree on the potential impact of this missense change (SIFT: "Tolerated"; PolyPhen-2: "Probably Damaging"; Align-GVGD: "Class C0). This variant has not been reported in the literature in individuals with EGR2-related disease. This variant is not present in population databases (ExAC no frequency).

NM_000399.5(EGR2):c.1172C>A (p.Thr391Asn)

Gene: EGR2 (early growth response 2; minus strand). Cytogenetic location: 10q21.3.
Variant type: single nucleotide variant.
Coding change: c.1172C>A on transcript NM_000399.5 (MANE Select); coding-DNA position 1172, C replaced by A.
Protein change: p.Thr391Asn; replaces threonine 391 with asparagine.
Molecular consequence: missense variant.
Genome position (GRCh38, 1-based): chr10:62,813,466, G>T on the plus strand (C>A on the coding strand, the complement: EGR2 is on the minus strand). VCF-style: chr10-62813466-G-T. GRCh37 (hg19) VCF-style: chr10-64573226-G-T.
Other names: c.1172C>A, p.Thr391Asn (NM_001136177.3, NM_001136178.2); c.1022C>A, p.Thr341Asn (NM_001136179.3, NM_001321037.2); short protein forms T391N, T341N.
Identifiers: ClinVar variation 582145 (VCV000582145.7), dbSNP rs1564706036, ClinGen allele CA377027436.